The following is an entry in ClinVar:

ClinVar aggregate classification (germline): Uncertain significance (1 of 4 stars; one submission).

Submission:

Labcorp Genetics (formerly Invitae), Labcorp
Classification: Uncertain significance. Last evaluated: 2023-01-24. Review status: criteria provided, single submitter. Criteria: Invitae Variant Classification Sherloc (09022015). Collection method: clinical testing. Allele origin: germline.
Comment: In summary, the available evidence is currently insufficient to determine the role of this variant in disease. Therefore, it has been classified as a Variant of Uncertain Significance. Advanced modeling of protein sequence and biophysical properties (such as structural, functional, and spatial information, amino acid conservation, physicochemical variation, residue mobility, and thermodynamic stability) performed at Invitae indicates that this missense variant is not expected to disrupt SLCO2A1 protein function. This variant has not been reported in the literature in individuals affected with SLCO2A1-related conditions. This variant is not present in population databases (gnomAD no frequency). This sequence change replaces phenylalanine, which is neutral and non-polar, with leucine, which is neutral and non-polar, at codon 190 of the SLCO2A1 protein (p.Phe190Leu).

NM_005630.3(SLCO2A1):c.570T>G (p.Phe190Leu)

Gene: SLCO2A1 (solute carrier organic anion transporter family member 2A1; minus strand). Cytogenetic location: 3q22.1.
Variant type: single nucleotide variant.
Coding change: c.570T>G on transcript NM_005630.3 (MANE Select); coding-DNA position 570, T replaced by G.
Protein change: p.Phe190Leu; replaces phenylalanine 190 with leucine.
Molecular consequence: missense variant.
Genome position (GRCh38, 1-based): chr3:133,955,021, A>C on the plus strand (T>G on the coding strand, the complement: SLCO2A1 is on the minus strand). VCF-style: chr3-133955021-A-C. GRCh37 (hg19) VCF-style: chr3-133673865-A-C.
Other names: short protein forms F190L.
Identifiers: ClinVar variation 2079232 (VCV002079232.4), dbSNP rs2472467075, ClinGen allele CA354618144.